The following is an entry in ClinVar:

ClinVar aggregate classification (germline): Uncertain significance. Review status: criteria provided, multiple submitters, no conflicts (2 of 4 stars). 3 submissions from 3 submitters: Uncertain significance (3). Last evaluated 2025-05-21.

Conditions:
LRRK2-related disorder. Also called: LRRK2-related condition.
Autosomal dominant Parkinson disease 8. Also called: Parkinson disease 8; Parkinson disease 8, susceptibility to; LRRK2-Related Parkinson Disease. Identifiers: Orphanet 411602, MedGen C1846862, MONDO:0011764, OMIM 607060.
Inborn genetic diseases. Identifiers: MedGen C0950123, MeSH D030342.

Allele frequency attached by ClinVar (database versions not stated): gnomAD exomes 0.00001; ExAC 0.00002; gnomAD 0.00002; TOPMed 0.00002; ESP Exome Variant Server 0.00008.
gnomAD v4.1: 15 of 1,613,654 alleles (0.00093%); highest among the groups gnomAD compares: Non-Finnish European, 0.0012%; no homozygotes.

Submissions (3):

PreventionGenetics, part of Exact Sciences
Classification: Uncertain significance for LRRK2-related condition. Last evaluated: 2025-05-21. Review status: criteria provided, single submitter. Criteria: ACMG Guidelines, 2015. Collection method: clinical testing. Allele origin: germline.
Comment: The LRRK2 c.2321C>T variant is predicted to result in the amino acid substitution p.Ala774Val. To our knowledge, this variant has not been reported in the literature. This variant is reported in 0.0031% of alleles in individuals of European (Non-Finnish) descent in gnomAD. At this time, the clinical significance of this variant is uncertain due to the absence of conclusive functional and genetic evidence.

Labcorp Genetics (formerly Invitae), Labcorp
Classification: Uncertain significance for Autosomal dominant Parkinson disease 8. Last evaluated: 2025-03-21. Review status: criteria provided, single submitter. Criteria: Invitae Variant Classification Sherloc (09022015). Collection method: clinical testing. Allele origin: germline.
Comment: This sequence change replaces alanine, which is neutral and non-polar, with valine, which is neutral and non-polar, at codon 774 of the LRRK2 protein (p.Ala774Val). This variant is present in population databases (rs368291361, gnomAD 0.004%). This variant has not been reported in the literature in individuals affected with LRRK2-related conditions. ClinVar contains an entry for this variant (Variation ID: 1789584). Invitae Evidence Modeling of protein sequence and biophysical properties (such as structural, functional, and spatial information, amino acid conservation, physicochemical variation, residue mobility, and thermodynamic stability) has been performed for this missense variant. However, the output from this modeling did not meet the statistical confidence thresholds required to predict the impact of this variant on LRRK2 protein function. In summary, the available evidence is currently insufficient to determine the role of this variant in disease. Therefore, it has been classified as a Variant of Uncertain Significance.

Ambry Genetics
Classification: Uncertain significance for Inborn genetic diseases. Last evaluated: 2023-05-09. Review status: criteria provided, single submitter. Criteria: Ambry Variant Classification Scheme 2023. Collection method: clinical testing. Allele origin: germline.

NM_198578.4(LRRK2):c.2321C>T (p.Ala774Val)

Gene: LRRK2 (leucine rich repeat kinase 2; plus strand). Cytogenetic location: 12q12.
Variant type: single nucleotide variant.
Coding change: c.2321C>T on transcript NM_198578.4 (MANE Select); coding-DNA position 2321, C replaced by T.
Protein change: p.Ala774Val; replaces alanine 774 with valine.
Molecular consequence: missense variant.
Genome position (GRCh38, 1-based): chr12:40,283,954, C>T. VCF-style: chr12-40283954-C-T. GRCh37 (hg19) VCF-style: chr12-40677756-C-T.
Other names: short protein forms A774V.
Identifiers: ClinVar variation 1789584 (VCV001789584.4), dbSNP rs368291361, ClinGen allele CA6513615.
Genomic context (GRCh38, chr12:40,283,954, plus strand): 5'-GTCCCAAATTGGTGGAACTCTTACTGAATAGTGGATCTCGTGAACAAGATGTACGAAAAG[C>T]GTTGACGATAAGCATTGGGAAAGGTGACAGCCAGATCATCAGCTTGCTCTTAAGGAGGCT-3'
Protein context (NP_940980.4, residues 764-784): SGSREQDVRK[Ala774Val]LTISIGKGDS